The following is an entry in ClinVar:

NM_016507.4(CDK12):c.149C>A (p.Ser50Tyr)

Genes: CDK12 (cyclin dependent kinase 12; plus strand), LOC126862553 (CDK7 strongly-dependent group 2 enhancer GRCh37_chr17:37618166-37619365; plus strand). Cytogenetic location: 17q12.
Variant type: single nucleotide variant.
Coding change: c.149C>A on transcript NM_016507.4 (MANE Select); coding-DNA position 149, C replaced by A.
Protein change: p.Ser50Tyr; replaces serine 50 with tyrosine.
Molecular consequence: missense variant.
Genome position (GRCh38, 1-based): chr17:39,462,220, C>A. VCF-style: chr17-39462220-C-A. GRCh37 (hg19) VCF-style: chr17-37618473-C-A.
Other names: c.149C>A, p.Ser50Tyr (NM_015083.4); short protein forms S50Y.
Identifiers: ClinVar variation 3830331 (VCV003830331.1).

ClinVar aggregate classification (germline): Uncertain significance (1 of 4 stars; one submission).

Submission:

Ambry Genetics
Classification: Uncertain significance. Last evaluated: 2024-12-13. Review status: criteria provided, single submitter. Criteria: Ambry Variant Classification Scheme 2023. Collection method: clinical testing. Allele origin: germline.
Comment: The p.S50Y variant (also known as c.149C>A), located in coding exon 1 of the CDK12 gene, results from a C to A substitution at nucleotide position 149. The serine at codon 50 is replaced by tyrosine, an amino acid with dissimilar properties. This amino acid position is conserved. In addition, this alteration is predicted to be tolerated by in silico analysis. Based on the available evidence, the clinical significance of this variant remains unclear.